The following is an entry in ClinVar:

NM_000138.5(FBN1):c.8282del (p.Thr2761fs)

Gene: FBN1 (fibrillin 1; minus strand). Cytogenetic location: 15q21.1.
Variant type: Deletion.
Coding change: c.8282del on transcript NM_000138.5 (MANE Select); coding-DNA position 8282, one base deleted (C; older notation c.8282delC).
Protein change: p.Thr2761fs; shifts the reading frame from threonine 2761.
Molecular consequence: frameshift variant.
Genome position (GRCh38, 1-based): chr15:48,411,324, G deleted on the plus strand (C on the coding strand, the reverse complement: FBN1 is on the minus strand). VCF-style (leftmost placement, unchanged base first): chr15-48411323-TG-T. GRCh37 (hg19) VCF-style: chr15-48703520-TG-T.
Other names: c.8282delC, p.Thr2761Lysfs (NM_001406716.1); short protein forms T2761fs.
Identifiers: ClinVar variation 2098553 (VCV002098553.4), dbSNP rs2505371682, ClinGen allele CA2580089587.
Genomic context (GRCh38, chr15:48,411,323, plus strand): 5'-AAGGAGTTCTAGGATTCGAACCTTGTTACTGACGTGGGAAATATTGAAAGCAAAGATGGC[TG>T]TCTTCTCAACATCCCAACTTGCAAGACTCACATTGGCTTCTGTCTCAGACTGATCCTGGA-3'

ClinVar aggregate classification (germline): Pathogenic (1 of 4 stars; one submission).

Conditions:
Familial thoracic aortic aneurysm and aortic dissection (TAAD). Also called: Thoracic aortic aneurysms and dissections. Identifiers: Orphanet 91387, MedGen C4707243, MONDO:0019625.
Marfan syndrome (MFS). Also called: MARFAN SYNDROME, TYPE I; Marfan syndrome type 1; Marfan's syndrome; Marfan syndrome, classic; FBN1-Related Marfan Syndrome. Identifiers: Orphanet 284963, Orphanet 558, MedGen C0024796, MONDO:0007947, OMIM 154700.

Submission:

Labcorp Genetics (formerly Invitae), Labcorp
Classification: Pathogenic for Marfan syndrome; Familial thoracic aortic aneurysm and aortic dissection. Last evaluated: 2022-02-18. Review status: criteria provided, single submitter. Criteria: Invitae Variant Classification Sherloc (09022015). Collection method: clinical testing. Allele origin: germline.
Comment: For these reasons, this variant has been classified as Pathogenic. This variant disrupts a region of the FBN1 protein in which other variant(s) (p.Gln2867*) have been determined to be pathogenic (PMID: 19293843). This suggests that this is a clinically significant region of the protein, and that variants that disrupt it are likely to be disease-causing. This variant has not been reported in the literature in individuals affected with FBN1-related conditions. This variant is not present in population databases (gnomAD no frequency). This sequence change creates a premature translational stop signal (p.Thr2761Lysfs*18) in the FBN1 gene. While this is not anticipated to result in nonsense mediated decay, it is expected to disrupt the last 111 amino acid(s) of the FBN1 protein.

Literature cited by the submitters: PubMed 19293843.